The following is an entry in ClinVar:

ClinVar aggregate classification (germline): risk factor (0 of 4 stars; one submission).

Conditions:
Paroxysmal nocturnal hemoglobinuria 2 (PNH2). Identifiers: Orphanet 447, MedGen C3809369, MONDO:0014166, OMIM 615399.

Submission:

Institute for Medical Genetics and Human Genetics, Charité - Universitätsmedizin Berlin
Classification: risk factor for Paroxysmal nocturnal hemoglobinuria 2. Last evaluated: 2017-06-06. Review status: no assertion criteria provided. Collection method: clinical testing, in vitro. Allele origin: germline, not applicable. Affected: yes. Observed: 1 variant allele, 1 compound heterozygote.

NM_015937.6(PIGT):c.197del (p.Tyr66fs)

Gene: PIGT (phosphatidylinositol glycan anchor biosynthesis class T; plus strand). Cytogenetic location: 20q13.12.
Variant type: Deletion.
Coding change: c.197del on transcript NM_015937.6 (MANE Select); coding-DNA position 197, one base deleted (A; older notation c.197delA).
Protein change: p.Tyr66fs; shifts the reading frame from tyrosine 66.
Molecular consequence: frameshift variant. On other transcripts: non-coding transcript variant (3), intron variant (1).
Genome position (GRCh38, 1-based): chr20:45,416,526, A deleted. VCF-style (leftmost placement, unchanged base first): chr20-45416525-TA-T. GRCh37 (hg19) VCF-style: chr20-44045165-TA-T.
Other names: c.197del, p.Tyr66fs (NM_001184728.3, NM_001184729.3); c.187+183del (NM_001184730.3); short protein forms Y66fs.
Identifiers: ClinVar variation 548927 (VCV000548927.3), dbSNP rs1555876283, ClinGen allele CA658824905.